The following is an entry in ClinVar:

ClinVar aggregate classification (germline): Uncertain significance (1 of 4 stars; one submission).

Conditions:
Mendelian susceptibility to mycobacterial diseases due to complete IL12RB1 deficiency. Also called: Immunodeficiency 30; IL12RB1 DEFICIENCY. Identifiers: Orphanet 319552, MedGen C4013949, MONDO:0013955, OMIM 614891.

Allele frequency attached by ClinVar (database versions not stated): TOPMed 0.00001.
gnomAD v4.1: 1 of 1,602,740 alleles (0.000062%); highest among the groups gnomAD compares: Admixed American, 0.0017%; no homozygotes.

Submission:

Labcorp Genetics (formerly Invitae), Labcorp
Classification: Uncertain significance for Mendelian susceptibility to mycobacterial diseases due to complete IL12RB1 deficiency. Last evaluated: 2024-02-24. Review status: criteria provided, single submitter. Criteria: Invitae Variant Classification Sherloc (09022015). Collection method: clinical testing. Allele origin: germline.
Comment: This sequence change replaces threonine, which is neutral and polar, with isoleucine, which is neutral and non-polar, at codon 583 of the IL12RB1 protein (p.Thr583Ile). This variant is not present in population databases (gnomAD no frequency). This variant has not been reported in the literature in individuals affected with IL12RB1-related conditions. ClinVar contains an entry for this variant (Variation ID: 1467300). Advanced modeling of protein sequence and biophysical properties (such as structural, functional, and spatial information, amino acid conservation, physicochemical variation, residue mobility, and thermodynamic stability) performed at Invitae indicates that this missense variant is expected to disrupt IL12RB1 protein function with a positive predictive value of 80%. In summary, the available evidence is currently insufficient to determine the role of this variant in disease. Therefore, it has been classified as a Variant of Uncertain Significance.

NM_005535.3(IL12RB1):c.1748C>T (p.Thr583Ile)

Gene: IL12RB1 (interleukin 12 receptor subunit beta 1; minus strand). Cytogenetic location: 19p13.11.
Variant type: single nucleotide variant.
Coding change: c.1748C>T on transcript NM_005535.3 (MANE Select); coding-DNA position 1748, C replaced by T.
Protein change: p.Thr583Ile; replaces threonine 583 with isoleucine.
Molecular consequence: missense variant.
Genome position (GRCh38, 1-based): chr19:18,061,165, G>A on the plus strand (C>T on the coding strand, the complement: IL12RB1 is on the minus strand). VCF-style: chr19-18061165-G-A. GRCh37 (hg19) VCF-style: chr19-18171975-G-A.
Other names: c.1748C>T, p.Thr583Ile (NM_001290023.2); c.1868C>T, p.Thr623Ile (NM_001290024.2); short protein forms T623I, T583I.
Identifiers: ClinVar variation 1467300 (VCV001467300.8), dbSNP rs2034092795, ClinGen allele CA404775733.